The following is an entry in ClinVar:

NM_005591.4(MRE11):c.1270G>A (p.Gly424Arg)

Gene: MRE11 (MRE11 double strand break repair nuclease; minus strand). Cytogenetic location: 11q21.
Variant type: single nucleotide variant.
Coding change: c.1270G>A on transcript NM_005591.4 (MANE Select); coding-DNA position 1270, G replaced by A.
Protein change: p.Gly424Arg; replaces glycine 424 with arginine.
Molecular consequence: missense variant.
Genome position (GRCh38, 1-based): chr11:94,460,992, C>T on the plus strand (G>A on the coding strand, the complement: MRE11 is on the minus strand). VCF-style: chr11-94460992-C-T. GRCh37 (hg19) VCF-style: chr11-94194158-C-T.
Other names: c.1270G>A (NM_005591.3); c.1270G>A, p.Gly424Arg (NM_001330347.2, NM_005590.4); short protein forms G424R.
Identifiers: ClinVar variation 1681589 (VCV001681589.7), dbSNP rs2135000168, ClinGen allele CA382372388.

ClinVar aggregate classification (germline): Uncertain significance. Review status: criteria provided, multiple submitters, no conflicts (2 of 4 stars). 2 submissions from 2 submitters: Uncertain significance (2). Last evaluated 2023-06-14.

Conditions:
Ataxia-telangiectasia-like disorder (ATLD). Identifiers: MedGen C1858391, MONDO:0011457.

Submissions (2):

Athena Diagnostics
Classification: Uncertain significance. Last evaluated: 2023-06-14. Review status: criteria provided, single submitter. Criteria: Athena Diagnostics Criteria. Collection method: clinical testing. Allele origin: unknown.
Comment: Available data are insufficient to determine the clinical significance of the variant at this time. This variant has not been reported in large, multi-ethnic general populations. Computational tools disagree on the variant's effect on normal protein function.

Labcorp Genetics (formerly Invitae), Labcorp
Classification: Uncertain significance for Ataxia-telangiectasia-like disorder. Last evaluated: 2021-10-02. Review status: criteria provided, single submitter. Criteria: Invitae Variant Classification Sherloc (09022015). Collection method: clinical testing. Allele origin: germline.
Comment: In summary, the available evidence is currently insufficient to determine the role of this variant in disease. Therefore, it has been classified as a Variant of Uncertain Significance. Algorithms developed to predict the effect of missense changes on protein structure and function are either unavailable or do not agree on the potential impact of this missense change (SIFT: "Tolerated"; PolyPhen-2: "Possibly Damaging"; Align-GVGD: "Class C0"). This variant has not been reported in the literature in individuals affected with MRE11-related conditions. This variant is not present in population databases (ExAC no frequency). This sequence change replaces glycine with arginine at codon 424 of the MRE11 protein (p.Gly424Arg). The glycine residue is moderately conserved and there is a moderate physicochemical difference between glycine and arginine.